The following is an entry in ClinVar:

NM_003924.4(PHOX2B):c.459T>C (p.Phe153=)

Gene: PHOX2B (paired like homeobox 2B; minus strand). Cytogenetic location: 4p13.
Variant type: single nucleotide variant.
Coding change: c.459T>C on transcript NM_003924.4 (MANE Select); coding-DNA position 459, T replaced by C.
Protein change: p.Phe153=; no amino-acid change (phenylalanine 153 retained).
Molecular consequence: synonymous variant.
Genome position (GRCh38, 1-based): chr4:41,746,293, A>G on the plus strand (T>C on the coding strand, the complement: PHOX2B is on the minus strand). VCF-style: chr4-41746293-A-G. GRCh37 (hg19) VCF-style: chr4-41748310-A-G.
Identifiers: ClinVar variation 3931860 (VCV003931860.9).

ClinVar aggregate classification (germline): Likely benign. Review status: criteria provided, multiple submitters, no conflicts (2 of 4 stars). 2 submissions from 2 submitters: Likely benign (2). Last evaluated 2025-08-01.

Conditions:
Hereditary cancer-predisposing syndrome. Also called: Neoplastic Syndromes, Hereditary; Tumor predisposition; Hereditary Cancer Syndrome; Hereditary neoplastic syndrome. Identifiers: Orphanet 140162, MedGen C0027672, MeSH D009386, MONDO:0015356.

Submissions (2):

CeGaT Center for Human Genetics Tuebingen
Classification: Likely benign. Last evaluated: 2025-08-01. Review status: criteria provided, single submitter. Criteria: CeGaT Center For Human Genetics Tuebingen Variant Classification Criteria Version 2. Collection method: clinical testing. Allele origin: germline. Affected: yes. Observed: 1 variant allele.
Comment: PHOX2B: PM2:Supporting, BP4, BP7

Ambry Genetics
Classification: Likely benign for Hereditary cancer-predisposing syndrome. Last evaluated: 2025-06-09. Review status: criteria provided, single submitter. Criteria: Ambry Variant Classification Scheme 2023. Collection method: clinical testing. Allele origin: germline.